The following is an entry in ClinVar:

ClinVar aggregate classification (germline): Conflicting classifications of pathogenicity. Review status: criteria provided, conflicting classifications (1 of 4 stars). 8 submissions from 6 submitters: Uncertain significance (6); Likely benign (1). 1 of the submissions does not count toward it. Last evaluated 2026-07-27.

Conditions:
MYO7A-related disorder. Also called: MYO7A-related disorders.
Autosomal dominant nonsyndromic hearing loss 11. Identifiers: Orphanet 90635, MedGen C1832475, MONDO:0011032, OMIM 601317.
Usher syndrome type 1B (USH1B). Also called: Usher syndrome type IB. Identifiers: MedGen C1848638, MONDO:0700087.
Autosomal recessive nonsyndromic hearing loss 2. Also called: DEAFNESS, AUTOSOMAL RECESSIVE 2; NEUROSENSORY NONSYNDROMIC RECESSIVE DEAFNESS 2. Identifiers: Orphanet 90636, MedGen C1838701, MONDO:0010807, OMIM 600060.
Usher syndrome type 1 (USH1). Also called: RETINITIS PIGMENTOSA AND CONGENITAL DEAFNESS. Identifiers: Orphanet 231169, Orphanet 886, MedGen C1568247, MONDO:0010168, OMIM 276900.

Allele frequency attached by ClinVar (database versions not stated): gnomAD 0.00007; TOPMed 0.00009.
gnomAD v4.1: 62 of 1,602,306 alleles (0.0039%); highest among the groups gnomAD compares: African/African-American, 0.036%; no homozygotes.

Submissions (8):

PreventionGenetics, part of Exact Sciences
Classification: Uncertain significance for MYO7A-related condition. Last evaluated: 2026-07-27. Review status: criteria provided, single submitter. Criteria: ACMG Guidelines, 2015. Collection method: clinical testing. Allele origin: germline.
Comment: The MYO7A c.2755G>A variant is predicted to result in the amino acid substitution p.Ala919Thr. To our knowledge, this variant has not been reported in the literature. This variant is reported in 0.027% of alleles in individuals of African descent in gnomAD. At this time, the clinical significance of this variant is uncertain due to the absence of conclusive functional and genetic evidence.

Labcorp Genetics (formerly Invitae), Labcorp
Classification: Likely benign. Last evaluated: 2025-07-27. Review status: criteria provided, single submitter. Criteria: Invitae Variant Classification Sherloc (09022015). Collection method: clinical testing. Allele origin: germline.

Blueprint Genetics
Classification: Uncertain significance. Last evaluated: 2023-10-11. Review status: criteria provided, single submitter. Criteria: ACMG Guidelines, 2015. Collection method: clinical testing. Allele origin: germline.

CeGaT Center for Human Genetics Tuebingen
Classification: Uncertain significance. Last evaluated: 2022-10-01. Review status: criteria provided, single submitter. Criteria: CeGaT Center For Human Genetics Tuebingen Variant Classification Criteria Version 2. Collection method: clinical testing. Allele origin: germline. Affected: yes. Observed: 1 variant allele.
Comment: MYO7A: PM2

Illumina Laboratory Services, Illumina
Classification: Uncertain significance for Usher syndrome type 1. Last evaluated: 2018-01-13. Review status: criteria provided, single submitter. Criteria: ICSL Variant Classification Criteria 13 December 2019. Collection method: clinical testing. Allele origin: germline.

Illumina Laboratory Services, Illumina
Classification: Uncertain significance for Autosomal dominant nonsyndromic hearing loss 11. Last evaluated: 2018-01-13. Review status: criteria provided, single submitter. Criteria: ICSL Variant Classification Criteria 13 December 2019. Collection method: clinical testing. Allele origin: germline.

Illumina Laboratory Services, Illumina
Classification: Uncertain significance for Autosomal recessive nonsyndromic hearing loss 2. Last evaluated: 2018-01-13. Review status: criteria provided, single submitter. Criteria: ICSL Variant Classification Criteria 13 December 2019. Collection method: clinical testing. Allele origin: germline.

Natera, Inc.
Classification: Uncertain significance for Usher syndrome type 1B. Last evaluated: 2020-02-06. Review status: no assertion criteria provided. Collection method: clinical testing. Allele origin: germline. Not counted in ClinVar's aggregate classification.

NM_000260.4(MYO7A):c.2755G>A (p.Ala919Thr)

Gene: MYO7A (myosin VIIA; plus strand). Cytogenetic location: 11q13.5.
Variant type: single nucleotide variant.
Coding change: c.2755G>A on transcript NM_000260.4 (MANE Select); coding-DNA position 2755, G replaced by A.
Protein change: p.Ala919Thr; replaces alanine 919 with threonine.
Molecular consequence: missense variant.
Genome position (GRCh38, 1-based): chr11:77,181,440, G>A. VCF-style: chr11-77181440-G-A. GRCh37 (hg19) VCF-style: chr11-76892486-G-A.
Other names: c.2755G>A, p.Ala919Thr (NM_001127180.2); c.2722G>A, p.Ala908Thr (NM_001369365.1); short protein forms A908T, A919T.
Identifiers: ClinVar variation 881683 (VCV000881683.36), dbSNP rs782787324, ClinGen allele CA224841472.